The following is an entry in ClinVar:

ClinVar aggregate classification (germline): Uncertain significance (1 of 4 stars; one submission).

Allele frequency attached by ClinVar (database versions not stated): gnomAD exomes below 0.00001; gnomAD 0.00001.
gnomAD v4.1: 3 of 1,613,240 alleles (0.00019%); highest among the groups gnomAD compares: Non-Finnish European, 0.00017%; no homozygotes.

Submission:

Labcorp Genetics (formerly Invitae), Labcorp
Classification: Uncertain significance. Last evaluated: 2022-03-13. Review status: criteria provided, single submitter. Criteria: Invitae Variant Classification Sherloc (09022015). Collection method: clinical testing. Allele origin: germline.
Comment: This sequence change falls in intron 23 of the CARMIL2 gene. It does not directly change the encoded amino acid sequence of the CARMIL2 protein. It affects a nucleotide within the consensus splice site. This variant is not present in population databases (gnomAD no frequency). This variant has not been reported in the literature in individuals affected with CARMIL2-related conditions. Variants that disrupt the consensus splice site are a relatively common cause of aberrant splicing (PMID: 17576681, 9536098). Algorithms developed to predict the effect of sequence changes on RNA splicing suggest that this variant is not likely to affect RNA splicing. In summary, the available evidence is currently insufficient to determine the role of this variant in disease. Therefore, it has been classified as a Variant of Uncertain Significance.

Literature cited by the submitters: PubMed 17576681; PubMed 9536098.

NM_001013838.3(CARMIL2):c.2313+3G>A

Gene: CARMIL2 (capping protein regulator and myosin 1 linker 2; plus strand). Cytogenetic location: 16q22.1.
Variant type: single nucleotide variant.
Coding change: c.2313+3G>A on transcript NM_001013838.3 (MANE Select); 3 bases into the intron after coding-DNA position 2313, G replaced by A.
Molecular consequence: intron variant.
Genome position (GRCh38, 1-based): chr16:67,651,318, G>A. VCF-style: chr16-67651318-G-A. GRCh37 (hg19) VCF-style: chr16-67685221-G-A.
Other names: c.2205+3G>A (NM_001317026.3).
Identifiers: ClinVar variation 1933464 (VCV001933464.2), dbSNP rs2052718302, ClinGen allele CA978432533.